The following is an entry in ClinVar:

ClinVar aggregate classification (germline): Pathogenic (1 of 4 stars; one submission).

Submission:

Labcorp Genetics (formerly Invitae), Labcorp
Classification: Pathogenic. Last evaluated: 2023-11-01. Review status: criteria provided, single submitter. Criteria: Invitae Variant Classification Sherloc (09022015). Collection method: clinical testing. Allele origin: unknown.
Comment: This variant is a gross deletion of the genomic region encompassing exon(s) 14-22 of the EYS gene. This deletion is out-of-frame, and is expected to create a premature termination codon and result in an absent or disrupted protein product. Loss-of-function variants in EYS are known to be pathogenic (PMID: 18836446, 20333770). A similar copy number variant has been observed in individual(s) with retinitis pigmentosa (PMID: 30513137). It has also been observed to segregate with disease in related individuals. For these reasons, this variant has been classified as Pathogenic.

Literature cited by the submitters: PubMed 18836446; PubMed 20333770; PubMed 30513137.

NC_000006.11:g.(?_65523251)_(65707616_?)del

Gene: EYS (eyes shut homolog; minus strand). Cytogenetic location: 6q12.
Variant type: Deletion.
Identifiers: ClinVar variation 3246107 (VCV003246107.1).